The following is an entry in ClinVar:

ClinVar aggregate classification (germline): Pathogenic/Likely pathogenic. Review status: criteria provided, multiple submitters, no conflicts (2 of 4 stars). 4 submissions from 4 submitters: Pathogenic (1); Likely pathogenic (2). 1 of the submissions does not count toward it. Last evaluated 2025-08-04.

Conditions:
Autosomal recessive limb-girdle muscular dystrophy type 2A (LGMDR1). Also called: Muscular dystrophy, limb-girdle, type 2A, Amish; Limb-girdle muscular dystrophy, type 2A; Calpainopathy; LEYDEN-MOEBIUS MUSCULAR DYSTROPHY; MUSCULAR DYSTROPHY, PELVOFEMORAL. Identifiers: Orphanet 267, MedGen C1869123, MONDO:0009675, OMIM 253600. Disease mechanism: loss of function.

gnomAD v4.1: 1 of 1,555,788 alleles (0.000064%); highest among the groups gnomAD compares: Non-Finnish European, 0.000087%; no homozygotes.

Submissions (4):

Myriad Genetics, Inc.
Classification: Likely pathogenic for Autosomal recessive limb-girdle muscular dystrophy type 2A. Last evaluated: 2025-08-04. Review status: criteria provided, single submitter. Criteria: Myriad Autosomal Dominant, Autosomal Recessive and X-Linked Classification Criteria (2023). Collection method: clinical testing. Allele origin: unknown.
Comment: NM_000070.2(CAPN3):c.1030-1G>A is a variant in a canonical splice site classified as likely pathogenic in the context of calpainopathy. c.1030-1G>A has been observed in a case with relevant disease (PMID: 18854869). Relevant functional assessments of this variant are available in the literature (PMID: 20635405). c.1030-1G>A has not been observed in referenced population frequency databases. In summary, NM_000070.2(CAPN3):c.1030-1G>A is a variant in a canonical splice site that has functional support for pathogenicity and has been observed more frequently in cases with the relevant disease than in healthy populations. Please note: this variant was assessed in the context of healthy population screening.

Labcorp Genetics (formerly Invitae), Labcorp
Classification: Pathogenic for Autosomal recessive limb-girdle muscular dystrophy type 2A. Last evaluated: 2024-01-02. Review status: criteria provided, single submitter. Criteria: Invitae Variant Classification Sherloc (09022015). Collection method: clinical testing. Allele origin: germline.
Comment: This sequence change affects an acceptor splice site in intron 7 of the CAPN3 gene. It is expected to disrupt RNA splicing. Variants that disrupt the donor or acceptor splice site typically lead to a loss of protein function (PMID: 16199547), and loss-of-function variants in CAPN3 are known to be pathogenic (PMID: 10330340, 15689361). This variant is not present in population databases (gnomAD no frequency). Disruption of this splice site has been observed in individual(s) with limb-girdle muscular dystrophy (PMID: 18854869). ClinVar contains an entry for this variant (Variation ID: 556764). Algorithms developed to predict the effect of sequence changes on RNA splicing suggest that this variant may disrupt the consensus splice site. For these reasons, this variant has been classified as Pathogenic.

Broad Center for Mendelian Genomics, Broad Institute of MIT and Harvard
Classification: Likely pathogenic for Autosomal recessive limb-girdle muscular dystrophy type 2A. Last evaluated: 2018-12-03. Review status: criteria provided, single submitter. Criteria: ACMG Guidelines, 2015. Collection method: research. Allele origin: germline. Inheritance: Autosomal recessive inheritance. Affected: yes.
Comment: The presence of this variant in combination with a pathogenic variant and in an individual with LGMD and increases the likelihood that the p.Thr184ArgfsTer36 variant is pathogenic. The c.1030-1G>A variant in CAPN3 was reported in at least 1 individual in the literature (PMID: 18854869, 20635405), and was absent from large population studies. This variant occurs in the invariant region (+/- 1/2) of the splice consensus sequence and is predicted to cause altered splicing leading to a frameshift and an abnormal or absent protein. Loss of function of the CAPN3 gene is an established disease mechanism in autosomal recessive LGMD. RNA and protein analyses of a muscle biopsy from an individual compound heterozygous with this variant and a pathogenic variant provide some evidence that the c.1030-1G>A variant may impact splicing and eliminate translation (PMID: 20635405). This variant has also been reported likely pathogenic in ClinVar (Variation ID: 556764). In summary, although additional studies are required to fully establish its clinical significance, the c.1030-1G>A variant is likely pathogenic. ACMG/AMP Criteria applied: PS3, PM2, PVS1_moderate, PM3_Supporting (Richards 2015).

Counsyl
Classification: Likely pathogenic for Autosomal recessive limb-girdle muscular dystrophy type 2A. Last evaluated: 2018-02-23. Review status: no assertion criteria provided. Collection method: clinical testing. Allele origin: unknown. Not counted in ClinVar's aggregate classification.

Literature cited by the submitters: PubMed 18854869 (cited by 3 submitters); PubMed 20635405 (cited by Myriad Genetics, Inc. and Counsyl); PubMed 16199547 (cited by Labcorp Genetics (formerly Invitae), Labcorp); PubMed 10330340 (cited by Labcorp Genetics (formerly Invitae), Labcorp); PubMed 15689361 (cited by Labcorp Genetics (formerly Invitae), Labcorp).

NM_000070.3(CAPN3):c.1030-1G>A

Gene: CAPN3 (calpain 3; plus strand). Cytogenetic location: 15q15.1.
Variant type: single nucleotide variant.
Coding change: c.1030-1G>A on transcript NM_000070.3 (MANE Select); the canonical splice acceptor site of the intron before coding-DNA position 1030, G replaced by A.
Molecular consequence: splice acceptor variant.
Genome position (GRCh38, 1-based): chr15:42,394,255, G>A. VCF-style: chr15-42394255-G-A. GRCh37 (hg19) VCF-style: chr15-42686453-G-A.
Other names: c.1030-1G>A (NM_024344.2); c.886-1G>A (NM_173087.2).
Identifiers: ClinVar variation 556764 (VCV000556764.9), dbSNP rs1555421263, ClinGen allele CA391998917.